The following is an entry in ClinVar:

NM_002764.4(PRPS1):c.673A>G (p.Thr225Ala)

Gene: PRPS1 (phosphoribosyl pyrophosphate synthetase 1; plus strand). Cytogenetic location: Xq22.3.
Variant type: single nucleotide variant.
Coding change: c.673A>G on transcript NM_002764.4 (MANE Select); coding-DNA position 673, A replaced by G.
Protein change: p.Thr225Ala; replaces threonine 225 with alanine.
Molecular consequence: missense variant.
Genome position (GRCh38, 1-based): chrX:107,645,319, A>G. VCF-style: chrX-107645319-A-G. GRCh37 (hg19) VCF-style: chrX-106888549-A-G.
Other names: c.61A>G, p.Thr21Ala (NM_001204402.2); short protein forms T21A, T225A.
Identifiers: ClinVar variation 1515059 (VCV001515059.7), dbSNP rs2147684835, ClinGen allele CA413812698.

ClinVar aggregate classification (germline): Uncertain significance. Review status: criteria provided, multiple submitters, no conflicts (2 of 4 stars). 2 submissions from 2 submitters: Uncertain significance (2). Last evaluated 2022-07-26.

Conditions:
Charcot-Marie-Tooth Neuropathy X. Identifiers: MedGen CN118851.

Submissions (2):

Labcorp Genetics (formerly Invitae), Labcorp
Classification: Uncertain significance for Charcot-Marie-Tooth Neuropathy X. Last evaluated: 2022-07-26. Review status: criteria provided, single submitter. Criteria: Invitae Variant Classification Sherloc (09022015). Collection method: clinical testing. Allele origin: germline.
Comment: This sequence change replaces threonine, which is neutral and polar, with alanine, which is neutral and non-polar, at codon 225 of the PRPS1 protein (p.Thr225Ala). This variant is not present in population databases (gnomAD no frequency). This missense change has been observed in individual(s) with clinical features of PRPS-related disease (Invitae). ClinVar contains an entry for this variant (Variation ID: 1515059). Algorithms developed to predict the effect of missense changes on protein structure and function are either unavailable or do not agree on the potential impact of this missense change (SIFT: "Deleterious"; PolyPhen-2: "Possibly Damaging"; Align-GVGD: "Class C0"). In summary, the available evidence is currently insufficient to determine the role of this variant in disease. Therefore, it has been classified as a Variant of Uncertain Significance.

Blueprint Genetics
Classification: Uncertain significance. Last evaluated: 2020-01-31. Review status: criteria provided, single submitter. Criteria: ACMG Guidelines, 2015. Collection method: clinical testing. Allele origin: germline.